The following is an entry in ClinVar:

NM_001040436.3(YARS2):c.543C>G (p.His181Gln)

Gene: YARS2 (tyrosyl-tRNA synthetase 2; minus strand). Cytogenetic location: 12p11.21.
Variant type: single nucleotide variant.
Coding change: c.543C>G on transcript NM_001040436.3 (MANE Select); coding-DNA position 543, C replaced by G.
Protein change: p.His181Gln; replaces histidine 181 with glutamine.
Molecular consequence: missense variant.
Genome position (GRCh38, 1-based): chr12:32,755,332, G>C on the plus strand (C>G on the coding strand, the complement: YARS2 is on the minus strand). VCF-style: chr12-32755332-G-C. GRCh37 (hg19) VCF-style: chr12-32908266-G-C.
Other names: short protein forms H181Q.
Identifiers: ClinVar variation 1992115 (VCV001992115.3), dbSNP rs545179477, ClinGen allele CA235220833.

ClinVar aggregate classification (germline): Uncertain significance (1 of 4 stars; one submission).

Allele frequency attached by ClinVar (database versions not stated): gnomAD 0.00004.
gnomAD v4.1: 9 of 1,614,120 alleles (0.00056%); highest among the groups gnomAD compares: Middle Eastern, 0.12%; no homozygotes.

Submission:

Labcorp Genetics (formerly Invitae), Labcorp
Classification: Uncertain significance. Last evaluated: 2025-12-16. Review status: criteria provided, single submitter. Criteria: Invitae Variant Classification Sherloc (09022015). Collection method: clinical testing. Allele origin: germline.
Comment: This sequence change replaces histidine, which is basic and polar, with glutamine, which is neutral and polar, at codon 181 of the YARS2 protein (p.His181Gln). This variant is not present in population databases (gnomAD no frequency). This variant has not been reported in the literature in individuals affected with YARS2-related conditions. ClinVar contains an entry for this variant (Variation ID: 1992115). Invitae Evidence Modeling of protein sequence and biophysical properties (such as structural, functional, and spatial information, amino acid conservation, physicochemical variation, residue mobility, and thermodynamic stability) indicates that this missense variant is not expected to disrupt YARS2 protein function with a negative predictive value of 95%. In summary, the available evidence is currently insufficient to determine the role of this variant in disease. Therefore, it has been classified as a Variant of Uncertain Significance.